The following is an entry in ClinVar:

ClinVar aggregate classification (germline): Benign. Review status: criteria provided, multiple submitters, no conflicts (2 of 4 stars). 6 submissions from 6 submitters: Benign (6). Last evaluated 2026-05-05.

Conditions:
Renal hypomagnesemia 6. Identifiers: Orphanet 34527, MedGen C3151295, MONDO:0013480, OMIM 613882.

Allele frequency attached by ClinVar (database versions not stated): 1000 Genomes Project 0.15176; ExAC 0.15847; ESP Exome Variant Server 0.07041; gnomAD 0.08142 and 0.08820; TOPMed 0.09063; gnomAD exomes 0.12415; 1000 Genomes Project 30x 0.14694.
gnomAD v4.1: 150,802 of 1,606,540 alleles (9.4%); highest among the groups gnomAD compares: East Asian, 26%; 9,205 homozygotes.

Submissions (6):

Revvity Omics, Revvity
Classification: Benign. Last evaluated: 2026-05-05. Review status: criteria provided, single submitter. Criteria: ACMG Guidelines, 2015. Collection method: clinical testing. Allele origin: germline.

Labcorp Genetics (formerly Invitae), Labcorp
Classification: Benign. Last evaluated: 2026-02-04. Review status: criteria provided, single submitter. Criteria: Invitae Variant Classification Sherloc (09022015). Collection method: clinical testing. Allele origin: germline.

Mayo Clinic Laboratories, Mayo Clinic
Classification: Benign. Last evaluated: 2022-03-09. Review status: criteria provided, single submitter. Criteria: ACMG Guidelines, 2015. Collection method: clinical testing. Allele origin: germline. Observed: 34 variant alleles.

GeneDx
Classification: Benign. Last evaluated: 2019-04-16. Review status: criteria provided, single submitter. Criteria: GeneDx Variant Classification Process June 2021. Collection method: clinical testing. Allele origin: germline. Affected: yes.

Illumina Laboratory Services, Illumina
Classification: Benign for Renal hypomagnesemia 6. Last evaluated: 2018-01-13. Review status: criteria provided, single submitter. Criteria: ICSL Variant Classification Criteria 13 December 2019. Collection method: clinical testing. Allele origin: germline.
Comment: This variant was observed in the ICSL laboratory as part of a predisposition screen in an ostensibly healthy population. It had not been previously curated by ICSL or reported in the Human Gene Mutation Database (HGMD: prior to June 1st, 2018), and was therefore a candidate for classification through an automated scoring system. Utilizing variant allele frequency, disease prevalence and penetrance estimates, and inheritance mode, an automated score was calculated to assess if this variant is too frequent to cause the disease. Based on the score and internal cut-off values, a variant classified as benign is not then subjected to further curation. The score for this variant resulted in a classification of benign for this disease.

Breakthrough Genomics
Classification: Benign. Review status: criteria provided, single submitter. Criteria: ACMG Guidelines, 2015. Collection method: not provided. Allele origin: germline. Inheritance: Autosomal dominant inheritance. Affected: yes.

NM_017649.5(CNNM2):c.2310C>T (p.Ala770=)

Gene: CNNM2 (cyclin and CBS domain divalent metal cation transport mediator 2; plus strand). Cytogenetic location: 10q24.32.
Variant type: single nucleotide variant.
Coding change: c.2310C>T on transcript NM_017649.5 (MANE Select); coding-DNA position 2310, C replaced by T.
Protein change: p.Ala770=; no amino-acid change (alanine 770 retained).
Molecular consequence: synonymous variant.
Genome position (GRCh38, 1-based): chr10:103,076,162, C>T. VCF-style: chr10-103076162-C-T. GRCh37 (hg19) VCF-style: chr10-104835919-C-T.
Other names: p.Ala770=; c.2244C>T, p.Ala748= (NM_199076.3).
Identifiers: ClinVar variation 298649 (VCV000298649.17), dbSNP rs943037, ClinGen allele CA5670598.